The following is an entry in ClinVar:

NM_033026.6(PCLO):c.6251A>C (p.Gln2084Pro)

Gene: PCLO (piccolo presynaptic cytomatrix protein; minus strand). Cytogenetic location: 7q21.11.
Variant type: single nucleotide variant.
Coding change: c.6251A>C on transcript NM_033026.6 (MANE Select); coding-DNA position 6251, A replaced by C.
Protein change: p.Gln2084Pro; replaces glutamine 2084 with proline.
Molecular consequence: missense variant.
Genome position (GRCh38, 1-based): chr7:82,954,702, T>G on the plus strand (A>C on the coding strand, the complement: PCLO is on the minus strand). VCF-style: chr7-82954702-T-G. GRCh37 (hg19) VCF-style: chr7-82584018-T-G.
Other names: c.6251A>C, p.Gln2084Pro (NM_014510.3); short protein forms Q2084P.
Identifiers: ClinVar variation 2759509 (VCV002759509.3), dbSNP rs753029942, ClinGen allele CA4320507.

ClinVar aggregate classification (germline): Uncertain significance (1 of 4 stars; one submission).

Allele frequency attached by ClinVar (database versions not stated): gnomAD exomes below 0.00001; ExAC 0.00001.
gnomAD v4.1: 2 of 1,613,914 alleles (0.00012%); highest among the groups gnomAD compares: East Asian, 0.0022%; no homozygotes.

Submission:

Labcorp Genetics (formerly Invitae), Labcorp
Classification: Uncertain significance. Last evaluated: 2023-09-10. Review status: criteria provided, single submitter. Criteria: Invitae Variant Classification Sherloc (09022015). Collection method: clinical testing. Allele origin: germline.
Comment: This variant has not been reported in the literature in individuals affected with PCLO-related conditions. In summary, the available evidence is currently insufficient to determine the role of this variant in disease. Therefore, it has been classified as a Variant of Uncertain Significance. Experimental studies and prediction algorithms are not available or were not evaluated, and the functional significance of this variant is currently unknown. This variant is present in population databases (rs753029942, gnomAD 0.0009%). This sequence change replaces glutamine, which is neutral and polar, with proline, which is neutral and non-polar, at codon 2084 of the PCLO protein (p.Gln2084Pro).